The following is an entry in ClinVar:

NC_000011.9:g.(?_76910586)_(76920278_?)del

Gene: MYO7A (myosin VIIA; plus strand). Cytogenetic location: 11q13.5.
Variant type: Deletion.
Identifiers: ClinVar variation 3244723 (VCV003244723.1).

ClinVar aggregate classification (germline): Pathogenic (1 of 4 stars; one submission).

Submission:

Labcorp Genetics (formerly Invitae), Labcorp
Classification: Pathogenic. Last evaluated: 2023-10-02. Review status: criteria provided, single submitter. Criteria: Invitae Variant Classification Sherloc (09022015). Collection method: clinical testing. Allele origin: unknown.
Comment: This variant results in the deletion of exons 35-44 (c.4575_6051+430del) of the MYO7A gene. It is expected to disrupt RNA splicing. Variants that disrupt the donor or acceptor splice site typically lead to a loss of protein function (PMID: 16199547), and loss-of-function variants in MYO7A are known to be pathogenic (PMID: 8900236, 25404053). This variant has not been reported in the literature in individuals affected with MYO7A-related conditions. This variant disrupts a region of the MYO7A protein in which other variant(s) (p.Gly1942Arg) have been determined to be pathogenic (PMID: 21117948, 27460420, 32853555). This suggests that this is a clinically significant region of the protein, and that variants that disrupt it are likely to be disease-causing. For these reasons, this variant has been classified as Pathogenic.

Literature cited by the submitters: PubMed 16199547; PubMed 8900236; PubMed 25404053; PubMed 21117948; PubMed 27460420; PubMed 32853555.